The following is an entry in ClinVar:

NM_000545.8(HNF1A):c.791T>C (p.Val264Ala)

Gene: HNF1A (HNF1 homeobox A; plus strand). Cytogenetic location: 12q24.31.
Variant type: single nucleotide variant.
Coding change: c.791T>C on transcript NM_000545.8 (MANE Select); coding-DNA position 791, T replaced by C.
Protein change: p.Val264Ala; replaces valine 264 with alanine.
Molecular consequence: missense variant.
Genome position (GRCh38, 1-based): chr12:120,994,241, T>C. VCF-style: chr12-120994241-T-C. GRCh37 (hg19) VCF-style: chr12-121432044-T-C.
Other names: NM_001306179.2:c.791T>C; c.791T>C, p.Val264Ala (NM_001306179.2, NM_001406915.1); short protein forms V264A.
Identifiers: ClinVar variation 4850551 (VCV004850551.2).

ClinVar aggregate classification (germline): Uncertain significance. Review status: reviewed by expert panel (3 of 4 stars). 2 submissions from 2 submitters: Uncertain significance (1). 1 of the submissions does not count toward it. Last evaluated 2026-10-22.

Conditions:
Maturity-onset diabetes of the young type 3. Also called: MODY type 3; MODY, type III. Identifiers: Orphanet 552, MedGen C1838100, MeSH C563933, MONDO:0010894, OMIM 600496. Disease mechanism: loss of function.
Monogenic diabetes. Identifiers: Orphanet 183625, MedGen C3888631, MONDO:0015967.

Submissions (2):

ClinGen Monogenic Diabetes Variant Curation Expert Panel
Classification: Uncertain significance for Monogenic diabetes. Last evaluated: 2026-10-22. Review status: reviewed by expert panel. Criteria: ClinGen Diabetes ACMG Specifications HNF1A V3.1.0. Collection method: curation. Allele origin: germline. Inheritance: Autosomal dominant inheritance.
Comment: The c.791T>C variant in the HNF1 homeobox A gene, HNF1A, causes an amino acid change of valine to alanine at codon 264 (p.(Val264Ala)) of NM_000545.8. This variant resides in an amino acid within the HNF1α DNA binding domain that directly binds DNA, which is defined as critical for the protein’s function by the ClinGen MDEP (PM1). This variant is absent from gnomAD v4.1.2 (PM2_Supporting). Additionally, this variant is predicted to be deleterious by computational evidence, with a REVEL score of 0.928, which is greater than the MDEP VCEP threshold of 0.70 (PP3). This variant was identified in an individual with diabetes; however, the MODY probability is unable to be calculated due to lack of clinical information; therefore, PP4 will not be applied (PMID: 36504295). This variant segregated with diabetes with one informative meiosis in a single family; however, this does not meet the thresholds for PP1 set by the ClinGen MDEP (PMID: 36504295). Another missense variant at the same residue, c.790G>T (p.Val264Phe), has been classified as likely pathogenic by the ClinGen MDEP (PM5_Supporting). In summary, c.791T>C meets the criteria to be classified as a variant of uncertain significance for monogenic diabetes. ACMG/AMP criteria applied, as specified by the ClinGen MDEP (specification version 3.10, approved 10/10/2025): PM1, PM2_Supporting, PP3, PM5_Supporting.

Institute of Human Genetics, Heidelberg University
Classification: Likely pathogenic for Maturity-onset diabetes of the young type 3. Last evaluated: 2026-03-12. Review status: criteria provided, single submitter. Criteria: ACMG Guidelines, 2015. Collection method: clinical testing. Allele origin: maternal. Observed: 2 variant alleles. Not counted in ClinVar's aggregate classification.
Comment: PM2_supp, PP3_supp, PM1_mod, PM5_mod

Literature cited by the submitters: PubMed 36504295 (cited by ClinGen Monogenic Diabetes Variant Curation Expert Panel).